The following is an entry in ClinVar:

ClinVar aggregate classification (germline): Uncertain significance (1 of 4 stars; one submission).

Conditions:
Inborn genetic diseases. Identifiers: MedGen C0950123, MeSH D030342.

gnomAD v4.1: 2 of 1,602,778 alleles (0.00012%); highest among the groups gnomAD compares: Non-Finnish European, 0.00017%; no homozygotes.

Submission:

Ambry Genetics
Classification: Uncertain significance for Inborn genetic diseases. Last evaluated: 2025-02-15. Review status: criteria provided, single submitter. Criteria: Ambry Variant Classification Scheme 2023. Collection method: clinical testing. Allele origin: germline.
Comment: The p.K551E variant (also known as c.1651A>G), located in coding exon 17 of the ANKRD26 gene, results from an A to G substitution at nucleotide position 1651. The lysine at codon 551 is replaced by glutamic acid, an amino acid with similar properties. This amino acid position is conserved. In addition, this alteration is predicted to be tolerated by in silico analysis. Based on the available evidence, the clinical significance of this variant remains unclear.

NM_014915.3(ANKRD26):c.1651A>G (p.Lys551Glu)

Gene: ANKRD26 (ankyrin repeat domain containing 26; minus strand). Cytogenetic location: 10p12.1.
Variant type: single nucleotide variant.
Coding change: c.1651A>G on transcript NM_014915.3 (MANE Select); coding-DNA position 1651, A replaced by G.
Protein change: p.Lys551Glu; replaces lysine 551 with glutamic acid.
Molecular consequence: missense variant.
Genome position (GRCh38, 1-based): chr10:27,048,964, T>C on the plus strand (A>G on the coding strand, the complement: ANKRD26 is on the minus strand). VCF-style: chr10-27048964-T-C. GRCh37 (hg19) VCF-style: chr10-27337893-T-C.
Other names: c.1651A>G, p.Lys551Glu (NM_001256053.2); short protein forms K551E.
Identifiers: ClinVar variation 3868083 (VCV003868083.1).
Genomic context (GRCh38, chr10:27,048,964, plus strand): 5'-CATCAGTAGCACCATCATGTATGTTTGCTGATACTTCCATTTCATTATTTCTGTGTTTTT[T>C]CCTTTCTTCTTCAACCTTTAATGAAAGTTTGATACTAAGGAATTGCTATTACTTTATTCA-3'
Protein context (NP_055730.2, residues 541-561): NNQPQVEEER[Lys551Glu]KHRNNEMEVS